The following is an entry in ClinVar:

ClinVar aggregate classification (germline): Uncertain significance (1 of 4 stars; one submission).

gnomAD v4.1: 1 of 1,614,216 alleles (0.000062%); highest among the groups gnomAD compares: Admixed American, 0.0017%; no homozygotes.

Submission:

Labcorp Genetics (formerly Invitae), Labcorp
Classification: Uncertain significance. Last evaluated: 2022-08-08. Review status: criteria provided, single submitter. Criteria: Invitae Variant Classification Sherloc (09022015). Collection method: clinical testing. Allele origin: germline.
Comment: In summary, the available evidence is currently insufficient to determine the role of this variant in disease. Therefore, it has been classified as a Variant of Uncertain Significance. Algorithms developed to predict the effect of missense changes on protein structure and function (SIFT, PolyPhen-2, Align-GVGD) all suggest that this variant is likely to be tolerated. This variant has not been reported in the literature in individuals affected with COQ9-related conditions. This variant is present in population databases (no rsID available, gnomAD 0.003%). This sequence change replaces serine, which is neutral and polar, with leucine, which is neutral and non-polar, at codon 78 of the COQ9 protein (p.Ser78Leu).

NM_020312.4(COQ9):c.233C>T (p.Ser78Leu)

Gene: COQ9 (coenzyme Q9; plus strand). Cytogenetic location: 16q21.
Variant type: single nucleotide variant.
Coding change: c.233C>T on transcript NM_020312.4 (MANE Select); coding-DNA position 233, C replaced by T.
Protein change: p.Ser78Leu; replaces serine 78 with leucine.
Molecular consequence: missense variant.
Genome position (GRCh38, 1-based): chr16:57,451,199, C>T. VCF-style: chr16-57451199-C-T. GRCh37 (hg19) VCF-style: chr16-57485111-C-T.
Other names: short protein forms S78L.
Identifiers: ClinVar variation 1958976 (VCV001958976.5), dbSNP rs762508784, ClinGen allele CA396026838.